The following is an entry in ClinVar:

NM_000138.5(FBN1):c.6679T>C (p.Ser2227Pro)

Gene: FBN1 (fibrillin 1; minus strand). Cytogenetic location: 15q21.1.
Variant type: single nucleotide variant.
Coding change: c.6679T>C on transcript NM_000138.5 (MANE Select); coding-DNA position 6679, T replaced by C.
Protein change: p.Ser2227Pro; replaces serine 2227 with proline.
Molecular consequence: missense variant.
Genome position (GRCh38, 1-based): chr15:48,432,926, A>G on the plus strand (T>C on the coding strand, the complement: FBN1 is on the minus strand). VCF-style: chr15-48432926-A-G. GRCh37 (hg19) VCF-style: chr15-48725123-A-G.
Other names: short protein forms S2227P.
Identifiers: ClinVar variation 457251 (VCV000457251.8), dbSNP rs1555394915, ClinGen allele CA392333475.

ClinVar aggregate classification (germline): Uncertain significance (1 of 4 stars; one submission).

Conditions:
Marfan syndrome (MFS). Also called: MARFAN SYNDROME, TYPE I; FBN1-Related Marfan Syndrome; Marfan syndrome type 1; Marfan's syndrome; Marfan syndrome, classic. Identifiers: Orphanet 284963, Orphanet 558, MedGen C0024796, MONDO:0007947, OMIM 154700.
Familial thoracic aortic aneurysm and aortic dissection (TAAD). Also called: Thoracic aortic aneurysms and dissections. Identifiers: Orphanet 91387, MedGen C4707243, MONDO:0019625.

Submission:

Labcorp Genetics (formerly Invitae), Labcorp
Classification: Uncertain significance for Marfan syndrome; Familial thoracic aortic aneurysm and aortic dissection. Last evaluated: 2017-04-16. Review status: criteria provided, single submitter. Criteria: Invitae Variant Classification Sherloc (09022015). Collection method: clinical testing. Allele origin: germline.
Comment: In summary, this variant is a novel missense change with uncertain impact on protein function. It has been classified as a Variant of Uncertain Significance. Algorithms developed to predict the effect of missense changes on protein structure and function do not agree on the potential impact of this missense change (SIFT: "Deleterious"; PolyPhen-2: "Probably Damaging"; Align-GVGD: "Class C0"). This variant is not present in population databases (ExAC no frequency) and has not been reported in the literature in individuals with a FBN1-related disease. This sequence change replaces serine with proline at codon 2227 of the FBN1 protein (p.Ser2227Pro). The serine residue is highly conserved and there is a moderate physicochemical difference between serine and proline.